The following is an entry in ClinVar:

NM_015346.4(ZFYVE26):c.361G>A (p.Glu121Lys)

Gene: ZFYVE26 (zinc finger FYVE-type containing 26; minus strand). Cytogenetic location: 14q24.1.
Variant type: single nucleotide variant.
Coding change: c.361G>A on transcript NM_015346.4 (MANE Select); coding-DNA position 361, G replaced by A.
Protein change: p.Glu121Lys; replaces glutamic acid 121 with lysine.
Molecular consequence: missense variant.
Genome position (GRCh38, 1-based): chr14:67,809,202, C>T on the plus strand (G>A on the coding strand, the complement: ZFYVE26 is on the minus strand). VCF-style: chr14-67809202-C-T. GRCh37 (hg19) VCF-style: chr14-68275919-C-T.
Other names: p.Glu121Lys; short protein forms E121K.
Identifiers: ClinVar variation 313929 (VCV000313929.13), dbSNP rs201229339, ClinGen allele CA7240820.
Genomic context (GRCh38, chr14:67,809,202, plus strand): 5'-GCTAAGCTGCTTAAGTGACTGTCAACCCTGGGCAGATGGTACCAGGGCTCTCTCTCACCT[C>T]GAGGATGTTCTCTGGAATGTCACCTTGGAGGTCTTCTGACAATAAAAGAAACTCAAGCTT-3'
Protein context (NP_056161.2, residues 111-131): LQGDIPENIL[Glu121Lys]ELYETLTQGA

ClinVar aggregate classification (germline): Conflicting classifications of pathogenicity. Review status: criteria provided, conflicting classifications (1 of 4 stars). 8 submissions from 8 submitters: Uncertain significance (6); Likely benign (2). Last evaluated 2024-10-24.

Conditions:
Inborn genetic diseases. Identifiers: MedGen C0950123, MeSH D030342.
Spastic paraplegia. Identifiers: MedGen C0037772, HP:0001258.
Hereditary spastic paraplegia 15 (SPG15). Also called: KJELLIN SYNDROME; SPASTIC PARAPLEGIA 15, AUTOSOMAL RECESSIVE; SPASTIC PARAPLEGIA AND RETINAL DEGENERATION. Identifiers: Orphanet 100996, MedGen C1849128, MONDO:0010044, OMIM 270700.

Allele frequency attached by ClinVar (database versions not stated): gnomAD 0.00003 and 0.00006; TOPMed 0.00005; ESP Exome Variant Server 0.00008; 1000 Genomes Project 30x 0.00016; 1000 Genomes Project 0.00020.
gnomAD v4.1: 113 of 1,613,762 alleles (0.007%); highest among the groups gnomAD compares: Middle Eastern, 0.066%; no homozygotes.

Submissions (8):

Labcorp Genetics (formerly Invitae), Labcorp
Classification: Uncertain significance for Spastic paraplegia. Last evaluated: 2024-10-24. Review status: criteria provided, single submitter. Criteria: Invitae Variant Classification Sherloc (09022015). Collection method: clinical testing. Allele origin: germline.
Comment: This sequence change replaces glutamic acid, which is acidic and polar, with lysine, which is basic and polar, at codon 121 of the ZFYVE26 protein (p.Glu121Lys). This variant is present in population databases (rs201229339, gnomAD 0.04%). This variant has not been reported in the literature in individuals affected with ZFYVE26-related conditions. ClinVar contains an entry for this variant (Variation ID: 313929). An algorithm developed to predict the effect of missense changes on protein structure and function outputs the following: PolyPhen-2: "Benign". The lysine amino acid residue is found in multiple mammalian species, which suggests that this missense change does not adversely affect protein function. In summary, the available evidence is currently insufficient to determine the role of this variant in disease. Therefore, it has been classified as a Variant of Uncertain Significance.

Blueprint Genetics
Classification: Likely benign. Last evaluated: 2024-10-21. Review status: criteria provided, single submitter. Criteria: ACMG Guidelines, 2015. Collection method: clinical testing. Allele origin: germline.

Mayo Clinic Laboratories, Mayo Clinic
Classification: Uncertain significance. Last evaluated: 2023-10-11. Review status: criteria provided, single submitter. Criteria: ACMG Guidelines, 2015. Collection method: clinical testing. Allele origin: germline. Observed: 1 variant allele.
Comment: BP4, PM2_moderate

Ambry Genetics
Classification: Likely benign for Inborn genetic diseases. Last evaluated: 2022-01-08. Review status: criteria provided, single submitter. Criteria: Ambry Variant Classification Scheme 2023. Collection method: clinical testing. Allele origin: germline.

Fulgent Genetics
Classification: Uncertain significance for Hereditary spastic paraplegia 15. Last evaluated: 2021-12-27. Review status: criteria provided, single submitter. Criteria: ACMG Guidelines, 2015. Collection method: clinical testing. Allele origin: unknown.

Athena Diagnostics
Classification: Uncertain significance. Last evaluated: 2018-09-20. Review status: criteria provided, single submitter. Criteria: Athena Diagnostics Criteria. Collection method: clinical testing. Allele origin: germline.

Illumina Laboratory Services, Illumina
Classification: Uncertain significance for Hereditary spastic paraplegia 15. Last evaluated: 2018-01-12. Review status: criteria provided, single submitter. Criteria: ICSL Variant Classification Criteria 13 December 2019. Collection method: clinical testing. Allele origin: germline.

Breakthrough Genomics
Classification: Uncertain significance. Review status: criteria provided, single submitter. Criteria: ACMG Guidelines, 2015. Collection method: not provided. Allele origin: germline. Inheritance: Autosomal recessive inheritance. Affected: yes.